The following is an entry in ClinVar:

NM_003238.6(TGFB2):c.*720T>C

Gene: TGFB2 (transforming growth factor beta 2; plus strand). Cytogenetic location: 1q41.
Variant type: single nucleotide variant.
Coding change: c.*720T>C on transcript NM_003238.6 (MANE Select); 720 bases downstream of the stop codon, T replaced by C.
Molecular consequence: 3 prime UTR variant. On other transcripts: non-coding transcript variant (2).
Genome position (GRCh38, 1-based): chr1:218,442,082, T>C. VCF-style: chr1-218442082-T-C. GRCh37 (hg19) VCF-style: chr1-218615424-T-C.
Other names: c.*720T>C (NM_001135599.4).
Identifiers: ClinVar variation 295501 (VCV000295501.5), dbSNP rs544540486, ClinGen allele CA10609937.
Genomic context (GRCh38, chr1:218,442,082, plus strand): 5'-AGTCTGCATTAAGATAAAGACCCTGAAAACACATGTTATGTATCAGCTGCCTAAGGAAGC[T>C]TCTTGTAAGGTCCAAAAACTAAAAAGACTGTTAATAAAAGAAACTTTCAGTCAGAATAAG-3'

ClinVar aggregate classification (germline): Benign (1 of 4 stars; one submission).

Conditions:
Loeys-Dietz syndrome 4 (LDS4). Also called: ANEURYSM, AORTIC AND CEREBRAL, WITH ARTERIAL TORTUOSITY AND SKELETAL MANIFESTATIONS; TGFB2-Related Loeys-Dietz Syndrome. Identifiers: MedGen C3553762, MONDO:0013897, OMIM 614816.

Allele frequency attached by ClinVar (database versions not stated): gnomAD 0.00087 and 0.00097; TOPMed 0.00114; 1000 Genomes Project 30x 0.00219; 1000 Genomes Project 0.00280.

Submission:

Illumina Laboratory Services, Illumina
Classification: Benign for Loeys-Dietz syndrome 4. Last evaluated: 2018-01-12. Review status: criteria provided, single submitter. Criteria: ICSL Variant Classification Criteria 13 December 2019. Collection method: clinical testing. Allele origin: germline.
Comment: This variant was observed in the ICSL laboratory as part of a predisposition screen in an ostensibly healthy population. It had not been previously curated by ICSL or reported in the Human Gene Mutation Database (HGMD: prior to June 1st, 2018), and was therefore a candidate for classification through an automated scoring system. Utilizing variant allele frequency, disease prevalence and penetrance estimates, and inheritance mode, an automated score was calculated to assess if this variant is too frequent to cause the disease. Based on the score and internal cut-off values, a variant classified as benign is not then subjected to further curation. The score for this variant resulted in a classification of benign for this disease.